The following is an entry in ClinVar:

ClinVar aggregate classification (germline): Uncertain significance. Review status: criteria provided, multiple submitters, no conflicts (2 of 4 stars). 2 submissions from 2 submitters: Uncertain significance (2). Last evaluated 2024-10-02.

Conditions:
Hereditary cancer-predisposing syndrome. Also called: Neoplastic Syndromes, Hereditary; Tumor predisposition; Hereditary neoplastic syndrome; Hereditary Cancer Syndrome. Identifiers: Orphanet 140162, MedGen C0027672, MeSH D009386, MONDO:0015356.
Familial cancer of breast. Also called: BREAST CANCER, FAMILIAL; hereditary breast carcinoma; Hereditary breast cancer. Identifiers: Orphanet 227535, MedGen C0346153, MONDO:0016419, OMIM 114480. Disease mechanism: loss of function.

Submissions (2):

Labcorp Genetics (formerly Invitae), Labcorp
Classification: Uncertain significance for Familial cancer of breast. Last evaluated: 2024-10-02. Review status: criteria provided, single submitter. Criteria: Invitae Variant Classification Sherloc (09022015). Collection method: clinical testing. Allele origin: germline.
Comment: This sequence change replaces serine, which is neutral and polar, with proline, which is neutral and non-polar, at codon 265 of the BARD1 protein (p.Ser265Pro). This variant is not present in population databases (gnomAD no frequency). This variant has not been reported in the literature in individuals affected with BARD1-related conditions. ClinVar contains an entry for this variant (Variation ID: 581100). An algorithm developed to predict the effect of missense changes on protein structure and function outputs the following: PolyPhen-2: "Benign". The proline amino acid residue is found in multiple mammalian species, which suggests that this missense change does not adversely affect protein function. In summary, the available evidence is currently insufficient to determine the role of this variant in disease. Therefore, it has been classified as a Variant of Uncertain Significance.

Ambry Genetics
Classification: Uncertain significance for Hereditary cancer-predisposing syndrome. Last evaluated: 2020-08-13. Review status: criteria provided, single submitter. Criteria: Ambry Variant Classification Scheme 2023. Collection method: clinical testing. Allele origin: germline.
Comment: The p.S265P variant (also known as c.793T>C), located in coding exon 4 of the BARD1 gene, results from a T to C substitution at nucleotide position 793. The serine at codon 265 is replaced by proline, an amino acid with similar properties. This amino acid position is not well conserved in available vertebrate species, and proline is the reference amino acid in other vertebrate species. In addition, this alteration is predicted to be tolerated by in silico analysis. Since supporting evidence is limited at this time, the clinical significance of this alteration remains unclear.

NM_000465.4(BARD1):c.793T>C (p.Ser265Pro)

Gene: BARD1 (BRCA1 associated RING domain 1; minus strand). Cytogenetic location: 2q35.
Variant type: single nucleotide variant.
Coding change: c.793T>C on transcript NM_000465.4 (MANE Select); coding-DNA position 793, T replaced by C.
Protein change: p.Ser265Pro; replaces serine 265 with proline.
Molecular consequence: missense variant. On other transcripts: non-coding transcript variant (2), intron variant (3).
Genome position (GRCh38, 1-based): chr2:214,781,081, A>G on the plus strand (T>C on the coding strand, the complement: BARD1 is on the minus strand). VCF-style: chr2-214781081-A-G. GRCh37 (hg19) VCF-style: chr2-215645805-A-G.
Other names: c.736T>C, p.Ser246Pro (NM_001282543.2); c.158+28331T>C (NM_001282548.2); c.215+15980T>C (NM_001282545.2); c.364+11216T>C (NM_001282549.2); short protein forms S265P, S246P.
Identifiers: ClinVar variation 581100 (VCV000581100.12), dbSNP rs751701338, ClinGen allele CA350455691.